The following is an entry in ClinVar:

NM_001378452.1(ITPR1):c.3161+7A>T

Gene: ITPR1 (inositol 1,4,5-trisphosphate receptor type 1; plus strand). Cytogenetic location: 3p26.1.
Variant type: single nucleotide variant.
Coding change: c.3161+7A>T on transcript NM_001378452.1 (MANE Select); 7 bases into the intron after coding-DNA position 3161, A replaced by T.
Molecular consequence: intron variant.
Genome position (GRCh38, 1-based): chr3:4,681,425, A>T. VCF-style: chr3-4681425-A-T. GRCh37 (hg19) VCF-style: chr3-4723109-A-T.
Other names: c.3134+7A>T (NM_001099952.4); c.3116+7A>T (NM_001168272.2); c.3089+7A>T (NM_002222.7).
Identifiers: ClinVar variation 1915484 (VCV001915484.5), dbSNP rs768091846, ClinGen allele CA2231607.
Genomic context (GRCh38, chr3:4,681,425, plus strand): 5'-TGCTCTTGACTTTGAACACATTGAAGAACAAGCAGAAGGCATCTTTGGAGGAAGGAAAGT[A>T]TATTTTCAGTTACTGTTTTGTAGGGAAGGCTGCTCTTCCAGAGCTCTCAGAGGCCTTCCC-3'

ClinVar aggregate classification (germline): Uncertain significance (1 of 4 stars; one submission).

Allele frequency attached by ClinVar (database versions not stated): gnomAD 0.00001; TOPMed 0.00002; ExAC 0.00003.
gnomAD v4.1: 20 of 1,602,234 alleles (0.0012%); highest among the groups gnomAD compares: Non-Finnish European, 0.00017%; no homozygotes.

Submission:

Labcorp Genetics (formerly Invitae), Labcorp
Classification: Uncertain significance. Last evaluated: 2025-04-07. Review status: criteria provided, single submitter. Criteria: Invitae Variant Classification Sherloc (09022015). Collection method: clinical testing. Allele origin: germline.
Comment: This sequence change falls in intron 25 of the ITPR1 gene. It does not directly change the encoded amino acid sequence of the ITPR1 protein. This variant is present in population databases (rs768091846, gnomAD 0.05%). This variant has not been reported in the literature in individuals affected with ITPR1-related conditions. ClinVar contains an entry for this variant (Variation ID: 1915484). Algorithms developed to predict the effect of sequence changes on RNA splicing suggest that this variant may disrupt the consensus splice site. In summary, the available evidence is currently insufficient to determine the role of this variant in disease. Therefore, it has been classified as a Variant of Uncertain Significance.